The following is an entry in ClinVar:

ClinVar aggregate classification (germline): Uncertain significance (1 of 4 stars; one submission).

gnomAD v4.1: 19 of 1,613,504 alleles (0.0012%); highest among the groups gnomAD compares: South Asian, 0.0055%; no homozygotes.

Submission:

Mayo Clinic Laboratories, Mayo Clinic
Classification: Uncertain significance. Last evaluated: 2024-09-11. Review status: criteria provided, single submitter. Criteria: ACMG Guidelines, 2015. Collection method: clinical testing. Allele origin: germline. Observed: 1 variant allele.
Comment: BP4

NM_030787.4(CFHR5):c.344A>G (p.Asn115Ser)

Gene: CFHR5 (complement factor H related 5; plus strand). Cytogenetic location: 1q31.3.
Variant type: single nucleotide variant.
Coding change: c.344A>G on transcript NM_030787.4 (MANE Select); coding-DNA position 344, A replaced by G.
Protein change: p.Asn115Ser; replaces asparagine 115 with serine.
Molecular consequence: missense variant.
Genome position (GRCh38, 1-based): chr1:196,984,051, A>G. VCF-style: chr1-196984051-A-G. GRCh37 (hg19) VCF-style: chr1-196953181-A-G.
Other names: p.Asn115Ser; short protein forms N115S.
Identifiers: ClinVar variation 3380447 (VCV003380447.1).